The following is an entry in ClinVar:

ClinVar aggregate classification (germline): Uncertain significance. Review status: criteria provided, multiple submitters, no conflicts (2 of 4 stars). 2 submissions from 2 submitters: Uncertain significance (2). Last evaluated 2024-01-22.

Conditions:
Cardiovascular phenotype. Identifiers: MedGen CN230736.

Allele frequency attached by ClinVar (database versions not stated): ExAC 0.00002.
gnomAD v4.1: 6 of 1,613,356 alleles (0.00037%); highest among the groups gnomAD compares: African/African-American, 0.0027%; no homozygotes.

Submissions (2):

GeneDx
Classification: Uncertain significance. Last evaluated: 2024-01-22. Review status: criteria provided, single submitter. Criteria: GeneDx Variant Classification Process June 2021. Collection method: clinical testing. Allele origin: germline. Affected: yes.
Comment: Has not been previously published as pathogenic or benign to our knowledge; Not observed at significant frequency in large population cohorts (gnomAD); In silico analysis supports that this missense variant has a deleterious effect on protein structure/function

Ambry Genetics
Classification: Uncertain significance for Cardiovascular phenotype. Last evaluated: 2020-09-23. Review status: criteria provided, single submitter. Criteria: Ambry Variant Classification Scheme 2023. Collection method: clinical testing. Allele origin: germline.
Comment: The p.R2135W variant (also known as c.6403C>T), located in coding exon 17 of the TNXB gene, results from a C to T substitution at nucleotide position 6403. The arginine at codon 2135 is replaced by tryptophan, an amino acid with dissimilar properties. This amino acid position is not well conserved in available vertebrate species. In addition, this alteration is predicted to be tolerated by in silico analysis. Since supporting evidence is limited at this time, the clinical significance of this alteration remains unclear.

NM_001365276.2(TNXB):c.6403C>T (p.Arg2135Trp)

Gene: TNXB (tenascin XB; minus strand). Cytogenetic location: 6p21.33.
Variant type: single nucleotide variant.
Coding change: c.6403C>T on transcript NM_001365276.2 (MANE Select); coding-DNA position 6403, C replaced by T.
Protein change: p.Arg2135Trp; replaces arginine 2135 with tryptophan.
Molecular consequence: missense variant.
Genome position (GRCh38, 1-based): chr6:32,067,802, G>A on the plus strand (C>T on the coding strand, the complement: TNXB is on the minus strand). VCF-style: chr6-32067802-G-A. GRCh37 (hg19) VCF-style: chr6-32035579-G-A.
Other names: c.6403C>T, p.Arg2135Trp (NM_019105.8); short protein forms R2135W.
Identifiers: ClinVar variation 1753346 (VCV001753346.3), dbSNP rs775659989, ClinGen allele CA3734443.